The following is an entry in ClinVar:

ClinVar aggregate classification (germline): Conflicting classifications of pathogenicity. Review status: criteria provided, conflicting classifications (1 of 4 stars). 4 submissions from 4 submitters: Uncertain significance (1); Likely benign (3). Last evaluated 2025-12-03.

Conditions:
RYR1-related disorder. Also called: RYR1-related disorders; RYR1-related condition. Identifiers: MedGen CN239331.
Malignant hyperthermia, susceptibility to, 1 (MHS1). Also called: Anesthesia related hyperthermia; Malignant hyperpyrexia; Fulminating hyperpyrexia; Pharmacogenic myopathy; RYR1-Related Malignant Hyperthermia Susceptibility; Malignant hyperthermia suceptibility 1. Identifiers: Orphanet 423, MedGen C2930980, MONDO:0007783, OMIM 145600.

Submissions (4):

PreventionGenetics, part of Exact Sciences
Classification: Likely benign for RYR1-related condition. Last evaluated: 2025-12-03. Review status: criteria provided, single submitter. Criteria: ACMG Guidelines, 2015. Collection method: clinical testing. Allele origin: germline.
Comment: This variant is classified as likely benign based on ACMG/AMP sequence variant interpretation guidelines (Richards et al. 2015 PMID: 25741868, with internal and published modifications).

Labcorp Genetics (formerly Invitae), Labcorp
Classification: Likely benign for RYR1-related disorder. Last evaluated: 2025-08-26. Review status: criteria provided, single submitter. Criteria: Invitae Variant Classification Sherloc (09022015). Collection method: clinical testing. Allele origin: germline.

Color Diagnostics, LLC DBA Color Health
Classification: Likely benign for Malignant hyperthermia, susceptibility to, 1. Last evaluated: 2025-07-29. Review status: criteria provided, single submitter. Criteria: ACMG Guidelines, 2015. Collection method: clinical testing. Allele origin: germline.

GeneDx
Classification: Uncertain significance. Last evaluated: 2024-05-08. Review status: criteria provided, single submitter. Criteria: GeneDx Variant Classification Process June 2021. Collection method: clinical testing. Allele origin: germline. Affected: yes.
Comment: In silico analysis is inconclusive as to whether the variant alters gene splicing. In the absence of RNA/functional studies, the actual effect of this sequence change is unknown.; Has not been previously published as pathogenic or benign to our knowledge

NM_000540.3(RYR1):c.166-3dup

Gene: RYR1 (ryanodine receptor 1; plus strand). Cytogenetic location: 19q13.2.
Variant type: Duplication.
Coding change: c.166-3dup on transcript NM_000540.3 (MANE Select); 3 bases into the intron before coding-DNA position 166, one base duplicated (C; older notation c.166-3dupC).
Molecular consequence: intron variant.
Genome position (GRCh38, 1-based): chr19:38,442,346, C duplicated; the last of 4 consecutive C bases (chr19:38,442,343-38,442,346); duplicating any one gives the same sequence. VCF-style (leftmost placement, unchanged base first): chr19-38442342-A-AC. GRCh37 (hg19) VCF-style: chr19-38932982-A-AC.
Other names: c.166-3dup (NM_001042723.2); c.166-3dupC (NM_000540.2).
Identifiers: ClinVar variation 1081487 (VCV001081487.12), dbSNP rs745926203, ClinGen allele CA062284.
Genomic context (GRCh38, chr19:38,442,342, plus strand): 5'-TGGCAGGGAATGTTGCTGGGGTGGGGGGGTCTTCTGACCCCTCACTTACATCCCCCTCCC[A>AC]CCCCAGAATGTGCCCCCCGATCTGGCCATCTGTTGCTTCGTCCTGGAGCAGTCCCTGTCT-3'